The following is an entry in ClinVar:

ClinVar aggregate classification (germline): Pathogenic/Likely pathogenic. Review status: criteria provided, multiple submitters, no conflicts (2 of 4 stars). 3 submissions from 3 submitters: Pathogenic (2); Likely pathogenic (1). Last evaluated 2026-01-19.

Conditions:
LZTR1-related schwannomatosis. Also called: Schwannomatosis 2; Schwannomatosis-2, susceptibility to. Identifiers: Orphanet 93921, MedGen C3810283, MONDO:0014299, OMIM 615670.
Cardiovascular phenotype. Identifiers: MedGen CN230736.
Hereditary cancer-predisposing syndrome. Also called: Hereditary Cancer Syndrome; Neoplastic Syndromes, Hereditary; Hereditary neoplastic syndrome; Tumor predisposition. Identifiers: Orphanet 140162, MedGen C0027672, MeSH D009386, MONDO:0015356.

Allele frequency attached by ClinVar (database versions not stated): TOPMed below 0.00001.
gnomAD v4.1: 1 of 1,614,154 alleles (0.000062%); highest among the groups gnomAD compares: Non-Finnish European, 0.000085%; no homozygotes.

Submissions (3):

Labcorp Genetics (formerly Invitae), Labcorp
Classification: Pathogenic. Last evaluated: 2026-01-19. Review status: criteria provided, single submitter. Criteria: Invitae Variant Classification Sherloc (09022015). Collection method: clinical testing. Allele origin: germline.
Comment: This sequence change creates a premature translational stop signal (p.Tyr119*) in the LZTR1 gene. It is expected to result in an absent or disrupted protein product. Loss-of-function variants in LZTR1 are known to be pathogenic (PMID: 24362817, 25335493, 25480913, 25795793, 29469822, 30368668, 30442762, 30442766, 30481304, 30859559). This variant is not present in population databases (gnomAD no frequency). This premature translational stop signal has been observed in individual(s) with neuroblastoma (PMID: 29489754). ClinVar contains an entry for this variant (Variation ID: 2742481). For these reasons, this variant has been classified as Pathogenic.

Ambry Genetics
Classification: Pathogenic for Cardiovascular phenotype; Hereditary cancer-predisposing syndrome. Last evaluated: 2025-09-29. Review status: criteria provided, single submitter. Criteria: Ambry Variant Classification Scheme 2023. Collection method: clinical testing. Allele origin: germline.
Comment: The p.Y119* pathogenic mutation (also known as c.357C>A), located in coding exon 4 of the LZTR1 gene, results from a C to A substitution at nucleotide position 357. This changes the amino acid from a tyrosine to a stop codon within coding exon 4. This alteration is expected to result in loss of function by premature protein truncation or nonsense-mediated mRNA decay. Loss-of-function variants in LZTR1 are related to an increased risk for schwannomas and autosomal recessive Noonan syndrome; however, such associations with autosomal dominant Noonan syndrome have not been observed (Piotrowski A et al. Nat Genet. 2014 Feb;46:182-7; Yamamoto GL et al. J Med Genet. 2015 Jun;52:413-21; Johnston JJ et al. Genet Med. 2018 10;20:1175-1185). This variant is considered to be rare based on population cohorts in the Genome Aggregation Database (gnomAD). Based on the supporting evidence, this variant is pathogenic for an increased risk of LZTR1-related schwannomatosis (SWN) and would be expected to cause autosomal recessive Noonan syndrome when present along with a second pathogenic or likely pathogenic variant on the other allele; however, the association of this alteration with autosomal dominant Noonan syndrome is unlikely.

Institute for Genomic Medicine (IGM) Clinical Laboratory, Nationwide Children's Hospital
Classification: Likely pathogenic for LZTR1-related schwannomatosis. Last evaluated: 2024-06-03. Review status: criteria provided, single submitter. Criteria: ACMG Guidelines, 2015. Collection method: clinical testing. Allele origin: germline.
Comment: This variant is predicted to result in loss of function through nonsense-mediated decay of the encoded transcript or premature truncation of the encoded protein in a gene in which loss of function is a known mechanism of disease (ACMG/AMP: PVS1; PMIDs:24362817, 25335493, 25480913). This variant is absent from or present at an exceedingly low frequency in gnomAD, a large-scale control population database (ACMG/AMP: PM2).

Literature cited by the submitters: PubMed 24362817 (cited by Labcorp Genetics (formerly Invitae), Labcorp and Institute for Genomic Medicine (IGM) Clinical Laboratory, Nationwide Children's Hospital); PubMed 25335493 (cited by Labcorp Genetics (formerly Invitae), Labcorp and Institute for Genomic Medicine (IGM) Clinical Laboratory, Nationwide Children's Hospital); PubMed 25480913 (cited by Labcorp Genetics (formerly Invitae), Labcorp and Institute for Genomic Medicine (IGM) Clinical Laboratory, Nationwide Children's Hospital); PubMed 25795793 (cited by Labcorp Genetics (formerly Invitae), Labcorp); PubMed 29469822 (cited by Labcorp Genetics (formerly Invitae), Labcorp); PubMed 30368668 (cited by Labcorp Genetics (formerly Invitae), Labcorp); PubMed 30442762 (cited by Labcorp Genetics (formerly Invitae), Labcorp); PubMed 30442766 (cited by Labcorp Genetics (formerly Invitae), Labcorp); PubMed 30481304 (cited by Labcorp Genetics (formerly Invitae), Labcorp); PubMed 30859559 (cited by Labcorp Genetics (formerly Invitae), Labcorp); PubMed 29489754 (cited by Labcorp Genetics (formerly Invitae), Labcorp).

NM_006767.4(LZTR1):c.357C>A (p.Tyr119Ter)

Gene: LZTR1 (leucine zipper like post translational regulator 1; plus strand). Cytogenetic location: 22q11.21.
Variant type: single nucleotide variant.
Coding change: c.357C>A on transcript NM_006767.4 (MANE Select); coding-DNA position 357, C replaced by A.
Protein change: p.Tyr119Ter; replaces tyrosine 119 with a stop codon.
Molecular consequence: nonsense.
Genome position (GRCh38, 1-based): chr22:20,987,540, C>A. VCF-style: chr22-20987540-C-A. GRCh37 (hg19) VCF-style: chr22-21341829-C-A.
Other names: c.357C>A (NM_006767.3); short protein forms Y119*.
Identifiers: ClinVar variation 2742481 (VCV002742481.5), dbSNP rs1482222775, ClinGen allele CA410779326.
Genomic context (GRCh38, chr22:20,987,540, plus strand): 5'-TCACCACCCCTGTGCCCACCCCAGGGCCTTTACCACTGGGACCCCACCGGCCCCCCGTTA[C>A]CACCACTCGGCCGTCGTCTATGGGAGCAGCATGTTTGTCTTTGGTAAGCAGCCTCTTGCC-3'